The following is an entry in ClinVar:

NM_000748.3(CHRNB2):c.1335G>C (p.Gln445His)

Gene: CHRNB2 (cholinergic receptor nicotinic beta 2 subunit; plus strand). Cytogenetic location: 1q21.3.
Variant type: single nucleotide variant.
Coding change: c.1335G>C on transcript NM_000748.3 (MANE Select); coding-DNA position 1335, G replaced by C.
Protein change: p.Gln445His; replaces glutamine 445 with histidine.
Molecular consequence: missense variant.
Genome position (GRCh38, 1-based): chr1:154,572,158, G>C. VCF-style: chr1-154572158-G-C. GRCh37 (hg19) VCF-style: chr1-154544634-G-C.
Other names: short protein forms Q445H.
Identifiers: ClinVar variation 578553 (VCV000578553.8), dbSNP rs1557852381, ClinGen allele CA342631965.
Genomic context (GRCh38, chr1:154,572,158, plus strand): 5'-GGAGGCGGTGGACGGCGTGCGCTTCATCGCAGACCACATGCGGAGCGAGGACGATGACCA[G>C]AGCGTGAGTGCCGCAGGCTGGGACCCCGGGCGTGAGATATGGGGTCTGCCAGGGCCCGGG-3'
Protein context (NP_000739.1, residues 435-455): ADHMRSEDDD[Gln445His]SVSEDWKYVA

ClinVar aggregate classification (germline): Uncertain significance (1 of 4 stars; one submission).

Conditions:
Familial sleep-related hypermotor epilepsy. Also called: Autosomal Dominant Sleep-Related Hypermotor (Hyperkinetic) Epilepsy. Identifiers: Orphanet 98784, MedGen C3696898, MONDO:0000030.

Submission:

Labcorp Genetics (formerly Invitae), Labcorp
Classification: Uncertain significance. Last evaluated: 2023-10-10. Review status: criteria provided, single submitter. Criteria: Invitae Variant Classification Sherloc (09022015). Collection method: clinical testing. Allele origin: germline.
Comment: This sequence change replaces glutamine, which is neutral and polar, with histidine, which is basic and polar, at codon 445 of the CHRNB2 protein (p.Gln445His). This variant is not present in population databases (gnomAD no frequency). This variant has not been reported in the literature in individuals affected with CHRNB2-related conditions. ClinVar contains an entry for this variant (Variation ID: 578553). Advanced modeling of protein sequence and biophysical properties (such as structural, functional, and spatial information, amino acid conservation, physicochemical variation, residue mobility, and thermodynamic stability) performed at Invitae indicates that this missense variant is not expected to disrupt CHRNB2 protein function. In summary, the available evidence is currently insufficient to determine the role of this variant in disease. Therefore, it has been classified as a Variant of Uncertain Significance.